The following is an entry in ClinVar:

ClinVar aggregate classification (germline): Uncertain significance. Review status: criteria provided, single submitter (1 of 4 stars). 2 submissions from 2 submitters: Uncertain significance (1). 1 of the submissions does not count toward it. Last evaluated 2022-10-26.

Conditions:
Hereditary sensory and autonomic neuropathy type 7. Also called: HSAN VII; Neuropathy, hereditary sensory and autonomic, type VII. Identifiers: Orphanet 391397, MedGen C3809882, MONDO:0014244, OMIM 615548.
Familial episodic pain syndrome with predominantly lower limb involvement. Also called: Episodic pain syndrome, familial, 3. Identifiers: Orphanet 391384, Orphanet 391392, MedGen C3809899, MONDO:0014247, OMIM 615552.

Allele frequency attached by ClinVar (database versions not stated): gnomAD exomes below 0.00001.
gnomAD v4.1: 1 of 1,602,144 alleles (0.000062%); highest among the groups gnomAD compares: Non-Finnish European, 0.000085%; no homozygotes.

Submissions (2):

Labcorp Genetics (formerly Invitae), Labcorp
Classification: Uncertain significance for Familial episodic pain syndrome with predominantly lower limb involvement; Hereditary sensory and autonomic neuropathy type 7. Last evaluated: 2022-10-26. Review status: criteria provided, single submitter. Criteria: Invitae Variant Classification Sherloc (09022015). Collection method: clinical testing. Allele origin: germline.
Comment: This sequence change replaces serine, which is neutral and polar, with threonine, which is neutral and polar, at codon 552 of the SCN11A protein (p.Ser552Thr). This variant is not present in population databases (gnomAD no frequency). This variant has not been reported in the literature in individuals affected with SCN11A-related conditions. ClinVar contains an entry for this variant (Variation ID: 576313). Advanced modeling of protein sequence and biophysical properties (such as structural, functional, and spatial information, amino acid conservation, physicochemical variation, residue mobility, and thermodynamic stability) performed at Invitae indicates that this missense variant is not expected to disrupt SCN11A protein function. In summary, the available evidence is currently insufficient to determine the role of this variant in disease. Therefore, it has been classified as a Variant of Uncertain Significance.

Institute of Human Genetics, University of Goettingen
Classification: Uncertain significance for Familial episodic pain syndrome with predominantly lower limb involvement. Review status: no assertion criteria provided. Collection method: clinical testing. Allele origin: germline. Inheritance: Autosomal dominant inheritance. Affected: yes. Not counted in ClinVar's aggregate classification.

NM_001349253.2(SCN11A):c.1654T>A (p.Ser552Thr)

Gene: SCN11A (sodium voltage-gated channel alpha subunit 11; minus strand). Cytogenetic location: 3p22.2.
Variant type: single nucleotide variant.
Coding change: c.1654T>A on transcript NM_001349253.2 (MANE Select); coding-DNA position 1654, T replaced by A.
Protein change: p.Ser552Thr; replaces serine 552 with threonine.
Molecular consequence: missense variant.
Genome position (GRCh38, 1-based): chr3:38,904,053, A>T on the plus strand (T>A on the coding strand, the complement: SCN11A is on the minus strand). VCF-style: chr3-38904053-A-T. GRCh37 (hg19) VCF-style: chr3-38945544-A-T.
Other names: c.1654T>A, p.Ser552Thr (NM_014139.3); short protein forms S552T.
Identifiers: ClinVar variation 576313 (VCV000576313.7), dbSNP rs1559521113, ClinGen allele CA352164820.